The following is an entry in ClinVar:

ClinVar aggregate classification (germline): Uncertain significance. Review status: criteria provided, multiple submitters, no conflicts (2 of 4 stars). 2 submissions from 2 submitters: Uncertain significance (2). Last evaluated 2024-03-06.

Conditions:
Arterial calcification, generalized, of infancy, 2. Identifiers: Orphanet 51608, MedGen C3276161, MONDO:0013768, OMIM 614473.
Autosomal recessive inherited pseudoxanthoma elasticum (PXE). Identifiers: Orphanet 758, MedGen CN032334, MONDO:0009925, OMIM 264800.
Pseudoxanthoma elasticum, forme fruste. Also called: Pseudoxanthoma Elasticum, Incomplete; PSEUDOXANTHOMA ELASTICUM, HETEROZYGOUS. Identifiers: Orphanet 758, MedGen C1867450, MONDO:0008333, OMIM 177850.

Allele frequency attached by ClinVar (database versions not stated): gnomAD exomes 0.00010 and 0.00003; 1000 Genomes Project 30x 0.00062; gnomAD 0.00003 and 0.00001; 1000 Genomes Project 0.00040; TOPMed 0.00003; ExAC 0.00009.

Submissions (2):

Fulgent Genetics
Classification: Uncertain significance for Pseudoxanthoma elasticum, forme fruste; Autosomal recessive inherited pseudoxanthoma elasticum; Arterial calcification, generalized, of infancy, 2. Last evaluated: 2024-03-06. Review status: criteria provided, single submitter. Criteria: ACMG Guidelines, 2015. Collection method: clinical testing. Allele origin: germline.

Labcorp Genetics (formerly Invitae), Labcorp
Classification: Uncertain significance. Last evaluated: 2022-08-22. Review status: criteria provided, single submitter. Criteria: Invitae Variant Classification Sherloc (09022015). Collection method: clinical testing. Allele origin: germline.
Comment: This sequence change replaces valine, which is neutral and non-polar, with methionine, which is neutral and non-polar, at codon 415 of the ABCC6 protein (p.Val415Met). This variant is present in population databases (rs200582171, gnomAD 0.1%). This variant has not been reported in the literature in individuals affected with ABCC6-related conditions. ClinVar contains an entry for this variant (Variation ID: 1517123). Algorithms developed to predict the effect of missense changes on protein structure and function are either unavailable or do not agree on the potential impact of this missense change (SIFT: "Deleterious"; PolyPhen-2: "Probably Damaging"; Align-GVGD: "Class C0"). In summary, the available evidence is currently insufficient to determine the role of this variant in disease. Therefore, it has been classified as a Variant of Uncertain Significance.

NM_001171.6(ABCC6):c.1243G>A (p.Val415Met)

Gene: ABCC6 (ATP binding cassette subfamily C member 6; minus strand). Cytogenetic location: 16p13.11.
Variant type: single nucleotide variant.
Coding change: c.1243G>A on transcript NM_001171.6 (MANE Select); coding-DNA position 1243, G replaced by A.
Protein change: p.Val415Met; replaces valine 415 with methionine.
Molecular consequence: missense variant. On other transcripts: non-coding transcript variant (1).
Genome position (GRCh38, 1-based): chr16:16,198,116, C>T on the plus strand (G>A on the coding strand, the complement: ABCC6 is on the minus strand). VCF-style: chr16-16198116-C-T. GRCh37 (hg19) VCF-style: chr16-16291973-C-T.
Other names: c.901G>A, p.Val301Met (NM_001351800.1); short protein forms V301M, V415M.
Identifiers: ClinVar variation 1517123 (VCV001517123.5), dbSNP rs200582171, ClinGen allele CA7926397.